The following is an entry in ClinVar:

NM_001127453.2(GSDME):c.1184-6C>T

Gene: GSDME (gasdermin E; minus strand). Cytogenetic location: 7p15.3.
Variant type: single nucleotide variant.
Coding change: c.1184-6C>T on transcript NM_001127453.2 (MANE Select); 6 bases into the intron before coding-DNA position 1184, C replaced by T.
Molecular consequence: intron variant.
Genome position (GRCh38, 1-based): chr7:24,702,839, G>A on the plus strand (C>T on the coding strand, the complement: GSDME is on the minus strand). VCF-style: chr7-24702839-G-A. GRCh37 (hg19) VCF-style: chr7-24742458-G-A.
Other names: c.692-6C>T (NM_001127454.2); c.1184-6C>T (NM_004403.3).
Identifiers: ClinVar variation 2684170 (VCV002684170.1), dbSNP rs2534963371, ClinGen allele CA2697557208.

ClinVar aggregate classification (germline): Uncertain significance (1 of 4 stars; one submission).

Submission:

Athena Diagnostics
Classification: Uncertain significance. Last evaluated: 2023-01-17. Review status: criteria provided, single submitter. Criteria: Athena Diagnostics Criteria. Collection method: clinical testing. Allele origin: unknown.
Comment: Available data are insufficient to determine the clinical significance of the variant at this time. This variant has not been reported in large, multi-ethnic general populations. Computational tools yielded predictions that this variant is unlikely to have an effect on normal RNA splicing.